The following is an entry in ClinVar:

ClinVar aggregate classification (germline): Uncertain significance (1 of 4 stars; one submission).

Conditions:
Melnick-Needles syndrome (MNS). Also called: MELNICK-NEEDLES OSTEODYSPLASTY; OSTEODYSPLASTY OF MELNICK AND NEEDLES; Melnick-Needles Syndrome (FLNA-MNS). Identifiers: Orphanet 2484, MedGen C0025237, MONDO:0010650, OMIM 309350.
Frontometaphyseal dysplasia (FMD1). Identifiers: Orphanet 1826, MedGen C0265293, MONDO:0015942.
Heterotopia, periventricular, X-linked dominant (PVNH1). Also called: PERIVENTRICULAR NODULAR HETEROTOPIA 1; X-linked periventricular heterotopia; PERIVENTRICULAR NODULAR HETEROTOPIA 4; HETEROTOPIA, PERIVENTRICULAR, 1. Identifiers: Orphanet 2149, Orphanet 82004, MedGen C1848213, MONDO:0010233, OMIM 300049.
Oto-palato-digital syndrome, type II (OPD2). Also called: FACIOPALATOOSSEOUS SYNDROME; OPD II SYNDROME; Otopalatodigital Syndrome, Type II; Otopalatodigital Syndrome Type 2 (FLNA-OPD2). Identifiers: Orphanet 669, Orphanet 90652, MedGen C1844696, MONDO:0010571, OMIM 304120.

Submission:

Labcorp Genetics (formerly Invitae), Labcorp
Classification: Uncertain significance for Oto-palato-digital syndrome, type II; Heterotopia, periventricular, X-linked dominant; Frontometaphyseal dysplasia; Melnick-Needles syndrome. Last evaluated: 2024-04-09. Review status: criteria provided, single submitter. Criteria: Invitae Variant Classification Sherloc (09022015). Collection method: clinical testing. Allele origin: germline.
Comment: This sequence change replaces histidine, which is basic and polar, with arginine, which is basic and polar, at codon 2231 of the FLNA protein (p.His2231Arg). This variant is not present in population databases (gnomAD no frequency). This variant has not been reported in the literature in individuals affected with FLNA-related conditions. Advanced modeling of protein sequence and biophysical properties (such as structural, functional, and spatial information, amino acid conservation, physicochemical variation, residue mobility, and thermodynamic stability) performed at Invitae indicates that this missense variant is not expected to disrupt FLNA protein function with a negative predictive value of 95%. In summary, the available evidence is currently insufficient to determine the role of this variant in disease. Therefore, it has been classified as a Variant of Uncertain Significance.

NM_001110556.2(FLNA):c.6716A>G (p.His2239Arg)

Gene: FLNA (filamin A; minus strand). Cytogenetic location: Xq28.
Variant type: single nucleotide variant.
Coding change: c.6716A>G on transcript NM_001110556.2 (MANE Select); coding-DNA position 6716, A replaced by G.
Protein change: p.His2239Arg; replaces histidine 2239 with arginine.
Molecular consequence: missense variant.
Genome position (GRCh38, 1-based): chrX:154,352,234, T>C on the plus strand (A>G on the coding strand, the complement: FLNA is on the minus strand). VCF-style: chrX-154352234-T-C. GRCh37 (hg19) VCF-style: chrX-153580602-T-C.
Other names: c.6692A>G, p.His2231Arg (NM_001456.4); short protein forms H2231R, H2239R.
Identifiers: ClinVar variation 3753970 (VCV003753970.2).